The following is an entry in ClinVar:

NM_003924.4(PHOX2B):c.785G>T (p.Gly262Val)

Gene: PHOX2B (paired like homeobox 2B; minus strand). Cytogenetic location: 4p13.
Variant type: single nucleotide variant.
Coding change: c.785G>T on transcript NM_003924.4 (MANE Select); coding-DNA position 785, G replaced by T.
Protein change: p.Gly262Val; replaces glycine 262 with valine.
Molecular consequence: missense variant.
Genome position (GRCh38, 1-based): chr4:41,745,967, C>A on the plus strand (G>T on the coding strand, the complement: PHOX2B is on the minus strand). VCF-style: chr4-41745967-C-A. GRCh37 (hg19) VCF-style: chr4-41747984-C-A.
Other names: short protein forms G262V.
Identifiers: ClinVar variation 467746 (VCV000467746.23), dbSNP rs768420488, ClinGen allele CA2901421.
Genomic context (GRCh38, chr4:41,745,967, plus strand): 5'-GAGGTGATGGGGCCGGGGCCGGGAGCCCAGCCTTGTCCAGGGCCCCCAGCCGCAGCCAGG[C>A]CTCCAGCTGCCGCCGCTGCCGCTGCCGCCGCCGCCGCTGCCGCGGCCGCCGCCGCTGCTG-3'
Protein context (NP_003915.2, residues 252-272): AAAAAAAAAG[Gly262Val]LAAAGGPGQG

ClinVar aggregate classification (germline): Uncertain significance. Review status: criteria provided, multiple submitters, no conflicts (2 of 4 stars). 7 submissions from 7 submitters: Uncertain significance (6). 1 of the submissions does not count toward it. Last evaluated 2025-03-12.

Conditions:
Hereditary cancer-predisposing syndrome. Also called: Hereditary Cancer Syndrome; Hereditary neoplastic syndrome; Tumor predisposition; Neoplastic Syndromes, Hereditary. Identifiers: Orphanet 140162, MedGen C0027672, MeSH D009386, MONDO:0015356.
Haddad syndrome (OHD). Also called: Ondine-Hirschsprung disease. Identifiers: Orphanet 99803, MedGen C1859049, MONDO:0020493.
Congenital central hypoventilation. Also called: Congenital Central Hypoventilation Syndrome. Identifiers: Orphanet 661, Orphanet 99803, MedGen C1275808, MONDO:0800031. Disease mechanism: gain of function.

Allele frequency attached by ClinVar (database versions not stated): gnomAD 0.00001; ExAC 0.00002; TOPMed 0.00002.
gnomAD v4.1: 15 of 1,342,912 alleles (0.0011%); highest among the groups gnomAD compares: Non-Finnish European, 0.000096%; no homozygotes.

Submissions (7):

Ambry Genetics
Classification: Uncertain significance for Hereditary cancer-predisposing syndrome. Last evaluated: 2025-03-12. Review status: criteria provided, single submitter. Criteria: Ambry Variant Classification Scheme 2023. Collection method: clinical testing. Allele origin: germline.
Comment: The p.G262V variant (also known as c.785G>T), located in coding exon 3 of the PHOX2B gene, results from a G to T substitution at nucleotide position 785. The glycine at codon 262 is replaced by valine, an amino acid with dissimilar properties. This amino acid position is well conserved in available vertebrate species. In addition, the in silico prediction for this alteration is inconclusive. Based on the available evidence, the clinical significance of this alteration remains unclear.

Blueprint Genetics
Classification: Uncertain significance. Last evaluated: 2024-10-04. Review status: criteria provided, single submitter. Criteria: ACMG Guidelines, 2015. Collection method: clinical testing. Allele origin: germline.

Labcorp Genetics (formerly Invitae), Labcorp
Classification: Uncertain significance for Haddad syndrome. Last evaluated: 2023-10-23. Review status: criteria provided, single submitter. Criteria: Invitae Variant Classification Sherloc (09022015). Collection method: clinical testing. Allele origin: germline.
Comment: This sequence change replaces glycine, which is neutral and non-polar, with valine, which is neutral and non-polar, at codon 262 of the PHOX2B protein (p.Gly262Val). The frequency data for this variant in the population databases is considered unreliable, as metrics indicate poor data quality at this position in the gnomAD database. This missense change has been observed in individual(s) with congenital central hypoventilation syndrome (PMID: 30672101). ClinVar contains an entry for this variant (Variation ID: 467746). Experimental studies and prediction algorithms are not available or were not evaluated, and the functional significance of this variant is currently unknown. In summary, the available evidence is currently insufficient to determine the role of this variant in disease. Therefore, it has been classified as a Variant of Uncertain Significance.

GeneDx
Classification: Uncertain significance. Last evaluated: 2023-08-04. Review status: criteria provided, single submitter. Criteria: GeneDx Variant Classification Process June 2021. Collection method: clinical testing. Allele origin: germline. Affected: yes.
Comment: In silico analysis supports that this missense variant does not alter protein structure/function; Identified in the heterozygous or homozygous state in individuals with CCHS, both of whom had multiple unaffected relatives also heterozygous for the variant (Sivan et al., 2023); This variant is associated with the following publications: (PMID: 30672101, 37373665, 33958749)

Sema4
Classification: Uncertain significance for Hereditary cancer-predisposing syndrome. Last evaluated: 2021-09-14. Review status: criteria provided, single submitter. Criteria: Sema4 Curation Guidelines. Collection method: curation. Allele origin: germline.
Comment: To the best of our knowledge, the PHOX2B c.785G>T (p.G262V) variant has not been reported in individuals with PHOX2B-related disease. It was observed in 2/4916 chromosomes of the Ashkenazi Jewish subpopulation in the large and broad cohorts of the Genome Aggregation Database (PMID: 32461654). The variant has been reported in ClinVar (Variation ID 467746). Functional studies have not been performed, and in silico predictions of the variant's effect on protein function are inconclusive. The evidence is insufficient to meet ACMG/AMP criteria for classifying the variant as benign or pathogenic. Thus, the clinical significance of this variant is currently uncertain.

Baylor Genetics
Classification: Uncertain significance for Central hypoventilation syndrome, congenital, 1, with or without Hirschsprung disease. Last evaluated: 2019-09-25. Review status: criteria provided, single submitter. Criteria: ACMG Guidelines, 2015. Collection method: clinical testing. Allele origin: unknown. Affected: yes.
Comment: This variant was determined to be of uncertain significance according to ACMG Guidelines, 2015 [PMID:25741868].

OMIM
Classification: Pathogenic for CENTRAL HYPOVENTILATION SYNDROME, CONGENITAL, 1. Last evaluated: 2021-08-26. Review status: no assertion criteria provided. Collection method: literature only. Allele origin: germline. Not counted in ClinVar's aggregate classification.

Literature cited by the submitters: PubMed 30672101 (cited by 3 submitters).